The following is an entry in ClinVar:

ClinVar aggregate classification (germline): Uncertain significance (1 of 4 stars; one submission).

Conditions:
Inborn genetic diseases. Identifiers: MedGen C0950123, MeSH D030342.

Submission:

Ambry Genetics
Classification: Uncertain significance for Inborn genetic diseases. Last evaluated: 2025-12-22. Review status: criteria provided, single submitter. Criteria: Ambry Variant Classification Scheme 2023. Collection method: clinical testing. Allele origin: germline.
Comment: The p.K312E variant (also known as c.934A>G), located in coding exon 1 of the SAMD9L gene, results from an A to G substitution at nucleotide position 934. The lysine at codon 312 is replaced by glutamic acid, an amino acid with similar properties. This amino acid position is conserved. In addition, this alteration is predicted to be tolerated by in silico analysis. Based on the available evidence, the clinical significance of this variant remains unclear.

NM_152703.5(SAMD9L):c.934A>G (p.Lys312Glu)

Gene: SAMD9L (sterile alpha motif domain containing 9 like; minus strand). Cytogenetic location: 7q21.2.
Variant type: single nucleotide variant.
Coding change: c.934A>G on transcript NM_152703.5 (MANE Select); coding-DNA position 934, A replaced by G.
Protein change: p.Lys312Glu; replaces lysine 312 with glutamic acid.
Molecular consequence: missense variant.
Genome position (GRCh38, 1-based): chr7:93,135,038, T>C on the plus strand (A>G on the coding strand, the complement: SAMD9L is on the minus strand). VCF-style: chr7-93135038-T-C. GRCh37 (hg19) VCF-style: chr7-92764351-T-C.
Other names: c.934A>G, p.Lys312Glu (NM_001303496.3, NM_001303497.3, NM_001303498.3 and 5 more transcripts); short protein forms K312E.
Identifiers: ClinVar variation 4842005 (VCV004842005.1).